The following is an entry in ClinVar:

ClinVar aggregate classification (germline): Uncertain significance (1 of 4 stars; one submission).

Conditions:
Pontocerebellar hypoplasia type 1A (PCH1A). Also called: PONTOCEREBELLAR HYPOPLASIA WITH ANTERIOR HORN CELL DISEASE; PONTOCEREBELLAR HYPOPLASIA WITH INFANTILE SPINAL MUSCULAR ATROPHY. Identifiers: Orphanet 2254, Orphanet 88616, MedGen C1843504, MONDO:0011866, OMIM 607596.

Allele frequency attached by ClinVar (database versions not stated): gnomAD exomes below 0.00001; ExAC 0.00001.
gnomAD v4.1: 5 of 1,613,376 alleles (0.00031%); highest among the groups gnomAD compares: South Asian, 0.0022%; no homozygotes.

Submission:

Labcorp Genetics (formerly Invitae), Labcorp
Classification: Uncertain significance for Pontocerebellar hypoplasia type 1A. Last evaluated: 2021-08-26. Review status: criteria provided, single submitter. Criteria: Invitae Variant Classification Sherloc (09022015). Collection method: clinical testing. Allele origin: germline.
Comment: This sequence change replaces isoleucine with valine at codon 323 of the VRK1 protein (p.Ile323Val). The isoleucine residue is moderately conserved and there is a small physicochemical difference between isoleucine and valine. This variant is present in population databases (rs754315181, ExAC 0.006%). This variant has not been reported in the literature in individuals affected with VRK1-related conditions. Algorithms developed to predict the effect of missense changes on protein structure and function (SIFT, PolyPhen-2, Align-GVGD) all suggest that this variant is likely to be tolerated. In summary, the available evidence is currently insufficient to determine the role of this variant in disease. Therefore, it has been classified as a Variant of Uncertain Significance.

NM_003384.3(VRK1):c.967A>G (p.Ile323Val)

Gene: VRK1 (VRK serine/threonine kinase 1; plus strand). Cytogenetic location: 14q32.2.
Variant type: single nucleotide variant.
Coding change: c.967A>G on transcript NM_003384.3 (MANE Select); coding-DNA position 967, A replaced by G.
Protein change: p.Ile323Val; replaces isoleucine 323 with valine.
Molecular consequence: missense variant.
Genome position (GRCh38, 1-based): chr14:96,860,634, A>G. VCF-style: chr14-96860634-A-G. GRCh37 (hg19) VCF-style: chr14-97326971-A-G.
Other names: short protein forms I323V.
Identifiers: ClinVar variation 1054286 (VCV001054286.7), dbSNP rs754315181, ClinGen allele CA7339133.